The following is an entry in ClinVar:

NM_006766.5(KAT6A):c.4571T>C (p.Met1524Thr)

Gene: KAT6A (lysine acetyltransferase 6A; minus strand). Cytogenetic location: 8p11.21.
Variant type: single nucleotide variant.
Coding change: c.4571T>C on transcript NM_006766.5 (MANE Select); coding-DNA position 4571, T replaced by C.
Protein change: p.Met1524Thr; replaces methionine 1524 with threonine.
Molecular consequence: missense variant.
Genome position (GRCh38, 1-based): chr8:41,933,649, A>G on the plus strand (T>C on the coding strand, the complement: KAT6A is on the minus strand). VCF-style: chr8-41933649-A-G. GRCh37 (hg19) VCF-style: chr8-41791167-A-G.
Other names: short protein forms M1524T.
Identifiers: ClinVar variation 2663302 (VCV002663302.1), dbSNP rs2486754323, ClinGen allele CA371065532.

ClinVar aggregate classification (germline): Uncertain significance (1 of 4 stars; one submission).

Allele frequency attached by ClinVar (database versions not stated): gnomAD exomes below 0.00001.

Submission:

GeneDx
Classification: Uncertain significance. Last evaluated: 2023-11-05. Review status: criteria provided, single submitter. Criteria: GeneDx Variant Classification Process June 2021. Collection method: clinical testing. Allele origin: germline. Affected: yes.
Comment: Not observed at significant frequency in large population cohorts (gnomAD); In silico analysis supports that this missense variant has a deleterious effect on protein structure/function; Has not been previously published as pathogenic or benign to our knowledge